The following is an entry in ClinVar:

ClinVar aggregate classification (germline): Uncertain significance. Review status: criteria provided, multiple submitters, no conflicts (2 of 4 stars). 2 submissions from 2 submitters: Uncertain significance (2). Last evaluated 2025-05-19.

Conditions:
Autosomal recessive congenital ichthyosis 3 (ARCI3). Also called: ICHTHYOSIS, LAMELLAR, 5. Identifiers: MedGen C3539888, MONDO:0011680, OMIM 606545.
Inborn genetic diseases. Identifiers: MedGen C0950123, MeSH D030342.

gnomAD v4.1: 9 of 1,614,130 alleles (0.00056%); highest among the groups gnomAD compares: Admixed American, 0.013%; no homozygotes.

Submissions (2):

Ambry Genetics
Classification: Uncertain significance for Inborn genetic diseases. Last evaluated: 2025-05-19. Review status: criteria provided, single submitter. Criteria: Ambry Variant Classification Scheme 2023. Collection method: clinical testing. Allele origin: germline.

3billion
Classification: Uncertain significance for Autosomal recessive congenital ichthyosis 3. Last evaluated: 2024-09-15. Review status: criteria provided, single submitter. Criteria: ACMG Guidelines, 2015. Collection method: clinical testing. Allele origin: germline. Affected: yes.
Comment: The variant is observed at an extremely low frequency in the gnomAD v4.0.0 dataset (total allele frequency: <0.001%). Predicted Consequence/Location: Missense variant In silico tool predictions suggest damaging effect of the variant on gene or gene product [REVEL: 0.96 (>=0.6, sensitivity 0.68 and specificity 0.92)]. Therefore, this variant is classified as VUS according to the recommendation of ACMG/AMP guideline.

NM_021628.3(ALOXE3):c.1807C>T (p.Pro603Ser)

Gene: ALOXE3 (arachidonate epidermal lipoxygenase 3; minus strand). Cytogenetic location: 17p13.1.
Variant type: single nucleotide variant.
Coding change: c.1807C>T on transcript NM_021628.3 (MANE Select); coding-DNA position 1807, C replaced by T.
Protein change: p.Pro603Ser; replaces proline 603 with serine.
Molecular consequence: missense variant.
Genome position (GRCh38, 1-based): chr17:8,103,472, G>A on the plus strand (C>T on the coding strand, the complement: ALOXE3 is on the minus strand). VCF-style: chr17-8103472-G-A. GRCh37 (hg19) VCF-style: chr17-8006790-G-A.
Other names: c.2203C>T, p.Pro735Ser (NM_001165960.1); c.1804C>T, p.Pro602Ser (NM_001369446.1); short protein forms P735S, P602S, P603S.
Identifiers: ClinVar variation 4043447 (VCV004043447.2).